The following is an entry in ClinVar:

NM_000553.6(WRN):c.671A>G (p.Tyr224Cys)

Gene: WRN (WRN RecQ like helicase; plus strand). Cytogenetic location: 8p12.
Variant type: single nucleotide variant.
Coding change: c.671A>G on transcript NM_000553.6 (MANE Select); coding-DNA position 671, A replaced by G.
Protein change: p.Tyr224Cys; replaces tyrosine 224 with cysteine.
Molecular consequence: missense variant.
Genome position (GRCh38, 1-based): chr8:31,068,274, A>G. VCF-style: chr8-31068274-A-G. GRCh37 (hg19) VCF-style: chr8-30925790-A-G.
Other names: short protein forms Y224C.
Identifiers: ClinVar variation 1477601 (VCV001477601.6), dbSNP rs1585413126, ClinGen allele CA370916937.

ClinVar aggregate classification (germline): Uncertain significance (1 of 4 stars; one submission).

Conditions:
Werner syndrome (WRN). Identifiers: Orphanet 902, MedGen C0043119, MONDO:0010196, OMIM 277700.

gnomAD v4.1: 2 of 1,607,458 alleles (0.00012%); highest among the groups gnomAD compares: Non-Finnish European, 0.00017%; no homozygotes.

Submission:

Labcorp Genetics (formerly Invitae), Labcorp
Classification: Uncertain significance for Werner syndrome. Last evaluated: 2021-10-18. Review status: criteria provided, single submitter. Criteria: Invitae Variant Classification Sherloc (09022015). Collection method: clinical testing. Allele origin: germline.
Comment: Algorithms developed to predict the effect of missense changes on protein structure and function are either unavailable or do not agree on the potential impact of this missense change (SIFT: "Not Available"; PolyPhen-2: "Probably Damaging"; Align-GVGD: "Not Available"). This variant has not been reported in the literature in individuals affected with WRN-related conditions. This variant is not present in population databases (gnomAD no frequency). This sequence change replaces tyrosine, a(n) neutral and polar amino acid, with cysteine, a(n) neutral and slightly polar amino acid, at codon 224 of the WRN protein (p.Tyr224Cys). In summary, the available evidence is currently insufficient to determine the role of this variant in disease. Therefore, it has been classified as a Variant of Uncertain Significance.